The following is an entry in ClinVar:

NM_006514.4(SCN10A):c.1093-3C>A

Gene: SCN10A (sodium voltage-gated channel alpha subunit 10; minus strand). Cytogenetic location: 3p22.2.
Variant type: single nucleotide variant.
Coding change: c.1093-3C>A on transcript NM_006514.4 (MANE Select); 3 bases into the intron before coding-DNA position 1093, C replaced by A.
Molecular consequence: intron variant.
Genome position (GRCh38, 1-based): chr3:38,756,874, G>T on the plus strand (C>A on the coding strand, the complement: SCN10A is on the minus strand). VCF-style: chr3-38756874-G-T. GRCh37 (hg19) VCF-style: chr3-38798365-G-T.
Other names: p.?; c.1093-3C>A (NM_001293307.2, NM_001293306.2).
Identifiers: ClinVar variation 532060 (VCV000532060.12), dbSNP rs373289770, ClinGen allele CA2320958.

ClinVar aggregate classification (germline): Uncertain significance. Review status: criteria provided, multiple submitters, no conflicts (2 of 4 stars). 4 submissions from 4 submitters: Uncertain significance (4). Last evaluated 2025-11-09.

Conditions:
Cardiovascular phenotype. Identifiers: MedGen CN230736.
Episodic pain syndrome, familial, 2 (FEPS2). Identifiers: Orphanet 306577, MedGen C3809893, MONDO:0014246, OMIM 615551.
Brugada syndrome. Also called: Sudden Unexplained Death Syndrome; Sudden Unexplained Nocturnal Death Syndrome (SUNDS); Sudden unexplained nocturnal death syndrome; Sudden unexpected nocturnal death syndrome. Identifiers: Orphanet 130, MedGen C1142166, MONDO:0015263.

Allele frequency attached by ClinVar (database versions not stated): gnomAD exomes 0.00001 and 0.00004; ExAC 0.00002; gnomAD 0.00004; TOPMed 0.00004; ESP Exome Variant Server 0.00015.
gnomAD v4.1: 61 of 1,613,868 alleles (0.0038%); highest among the groups gnomAD compares: Non-Finnish European, 0.005%; no homozygotes.

Submissions (4):

Labcorp Genetics (formerly Invitae), Labcorp
Classification: Uncertain significance for Brugada syndrome. Last evaluated: 2025-11-09. Review status: criteria provided, single submitter. Criteria: Invitae Variant Classification Sherloc (09022015). Collection method: clinical testing. Allele origin: germline.
Comment: This sequence change falls in intron 8 of the SCN10A gene. It does not directly change the encoded amino acid sequence of the SCN10A protein. It affects a nucleotide within the consensus splice site. This variant is present in population databases (rs373289770, gnomAD 0.004%). This variant has not been reported in the literature in individuals affected with SCN10A-related conditions. ClinVar contains an entry for this variant (Variation ID: 532060). Variants that disrupt the consensus splice site are a relatively common cause of aberrant splicing (PMID: 17576681, 9536098). Algorithms developed to predict the effect of sequence changes on RNA splicing suggest that this variant may disrupt the consensus splice site. In summary, the available evidence is currently insufficient to determine the role of this variant in disease. Therefore, it has been classified as a Variant of Uncertain Significance.

Mayo Clinic Laboratories, Mayo Clinic
Classification: Uncertain significance. Last evaluated: 2025-03-07. Review status: criteria provided, single submitter. Criteria: ACMG Guidelines, 2015. Collection method: clinical testing. Allele origin: germline. Observed: 1 variant allele.
Comment: BS2

Ambry Genetics
Classification: Uncertain significance for Cardiovascular phenotype. Last evaluated: 2024-09-11. Review status: criteria provided, single submitter. Criteria: Ambry Variant Classification Scheme 2023. Collection method: clinical testing. Allele origin: germline.
Comment: The c.1093-3C>A intronic variant results from a C to A substitution 3 nucleotides upstream from coding exon 9 in the SCN10A gene. This nucleotide position is well conserved in available vertebrate species. In silico splice site analysis predicts that this alteration will weaken the native splice acceptor site. Since supporting evidence is limited at this time, the clinical significance of this alteration remains unclear.

Fulgent Genetics
Classification: Uncertain significance for Episodic pain syndrome, familial, 2. Last evaluated: 2021-11-08. Review status: criteria provided, single submitter. Criteria: ACMG Guidelines, 2015. Collection method: clinical testing. Allele origin: unknown.

Literature cited by the submitters: PubMed 17576681 (cited by Labcorp Genetics (formerly Invitae), Labcorp); PubMed 9536098 (cited by Labcorp Genetics (formerly Invitae), Labcorp).